The following is an entry in ClinVar:

NM_001527.4(HDAC2):c.557A>C (p.Glu186Ala)

Gene: HDAC2 (histone deacetylase 2; minus strand). Cytogenetic location: 6q21.
Variant type: single nucleotide variant.
Coding change: c.557A>C on transcript NM_001527.4 (MANE Select); coding-DNA position 557, A replaced by C.
Protein change: p.Glu186Ala; replaces glutamic acid 186 with alanine.
Molecular consequence: missense variant. On other transcripts: non-coding transcript variant (2).
Genome position (GRCh38, 1-based): chr6:113,953,359, T>G on the plus strand (A>C on the coding strand, the complement: HDAC2 is on the minus strand). VCF-style: chr6-113953359-T-G. GRCh37 (hg19) VCF-style: chr6-114274523-T-G.
Other names: short protein forms E186A.
Identifiers: ClinVar variation 3047427 (VCV003047427.2), dbSNP rs2482611700, ClinGen allele CA365525242.

ClinVar aggregate classification (germline): Uncertain significance (0 of 4 stars; one submission).

Conditions:
HDAC2-related disorder. Also called: HDAC2-related condition.

Submission:

PreventionGenetics, part of Exact Sciences
Classification: Uncertain significance for HDAC2-related condition. Last evaluated: 2023-12-20. Review status: no assertion criteria provided. Collection method: clinical testing. Allele origin: germline.
Comment: The HDAC2 c.557A>C variant is predicted to result in the amino acid substitution p.Glu186Ala. To our knowledge, this variant has not been reported in the literature or in a large population database, indicating this variant is rare. At this time, the clinical significance of this variant is uncertain due to the absence of conclusive functional and genetic evidence.